The following is an entry in ClinVar:

ClinVar aggregate classification (germline): Uncertain significance. Review status: criteria provided, multiple submitters, no conflicts (2 of 4 stars). 4 submissions from 4 submitters: Uncertain significance (4). Last evaluated 2025-08-30.

Conditions:
Hereditary nonpolyposis colorectal neoplasms. Identifiers: MedGen C0009405, MeSH D003123.
Hereditary cancer-predisposing syndrome. Also called: Neoplastic Syndromes, Hereditary; Tumor predisposition; Hereditary Cancer Syndrome; Hereditary neoplastic syndrome. Identifiers: Orphanet 140162, MedGen C0027672, MeSH D009386, MONDO:0015356.

gnomAD v4.1: 2 of 1,614,138 alleles (0.00012%); highest among the groups gnomAD compares: South Asian, 0.0022%; no homozygotes.

Submissions (4):

Ambry Genetics
Classification: Uncertain significance for Hereditary cancer-predisposing syndrome. Last evaluated: 2025-08-30. Review status: criteria provided, single submitter. Criteria: Ambry Variant Classification Scheme 2023. Collection method: clinical testing. Allele origin: germline.
Comment: The p.G505W variant (also known as c.1513G>T), located in coding exon 11 of the PMS2 gene, results from a G to T substitution at nucleotide position 1513. The glycine at codon 505 is replaced by tryptophan, an amino acid with highly dissimilar properties. This amino acid position is poorly conserved in available vertebrate species. In addition, this alteration is predicted to be tolerated by in silico analysis. Since supporting evidence is limited at this time, the clinical significance of this alteration remains unclear.

Quest Diagnostics Nichols Institute San Juan Capistrano
Classification: Uncertain significance. Last evaluated: 2024-08-15. Review status: criteria provided, single submitter. Criteria: Quest Diagnostics criteria. Collection method: clinical testing. Allele origin: unknown.
Comment: The PMS2 c.1513G>T (p.Gly505Trp) variant has not been reported in individuals with PMS2-related conditions in the published literature. It also has not been reported in large, multi-ethnic general populations (Genome Aggregation Database). Analysis of this variant using bioinformatics tools for the prediction of the effect of amino acid changes on protein structure and function yielded conflicting predictions that this variant is benign or damaging. Based on the available information, we are unable to determine the clinical significance of this variant.

Color Diagnostics, LLC DBA Color Health
Classification: Uncertain significance for Hereditary cancer-predisposing syndrome. Last evaluated: 2023-12-05. Review status: criteria provided, single submitter. Criteria: ACMG Guidelines, 2015. Collection method: clinical testing. Allele origin: germline.
Comment: This missense variant replaces glycine with tryptophan at codon 505 of the PMS2 protein. Computational prediction suggests that this variant may not impact protein structure and function (internally defined REVEL score threshold <= 0.5, PMID: 27666373). To our knowledge, functional studies have not been reported for this variant. This variant has not been reported in individuals affected with PMS2-related disorders in the literature. This variant has not been identified in the general population by the Genome Aggregation Database (gnomAD). The available evidence is insufficient to determine the role of this variant in disease conclusively. Therefore, this variant is classified as a Variant of Uncertain Significance.

Labcorp Genetics (formerly Invitae), Labcorp
Classification: Uncertain significance for Hereditary nonpolyposis colorectal neoplasms. Last evaluated: 2023-06-09. Review status: criteria provided, single submitter. Criteria: Invitae Variant Classification Sherloc (09022015). Collection method: clinical testing. Allele origin: germline.
Comment: This sequence change replaces glycine, which is neutral and non-polar, with tryptophan, which is neutral and slightly polar, at codon 505 of the PMS2 protein (p.Gly505Trp). In summary, the available evidence is currently insufficient to determine the role of this variant in disease. Therefore, it has been classified as a Variant of Uncertain Significance. Advanced modeling of protein sequence and biophysical properties (such as structural, functional, and spatial information, amino acid conservation, physicochemical variation, residue mobility, and thermodynamic stability) performed at Invitae indicates that this missense variant is expected to disrupt PMS2 protein function. ClinVar contains an entry for this variant (Variation ID: 484300). This variant has not been reported in the literature in individuals affected with PMS2-related conditions. This variant is not present in population databases (gnomAD no frequency).

NM_000535.7(PMS2):c.1513G>T (p.Gly505Trp)

Gene: PMS2 (PMS1 homolog 2, mismatch repair system component; minus strand). Cytogenetic location: 7p22.1.
Variant type: single nucleotide variant.
Coding change: c.1513G>T on transcript NM_000535.7 (MANE Select); coding-DNA position 1513, G replaced by T.
Protein change: p.Gly505Trp; replaces glycine 505 with tryptophan.
Molecular consequence: missense variant. On other transcripts: non-coding transcript variant (1).
Genome position (GRCh38, 1-based): chr7:5,987,252, C>A on the plus strand (G>T on the coding strand, the complement: PMS2 is on the minus strand). VCF-style: chr7-5987252-C-A. GRCh37 (hg19) VCF-style: chr7-6026883-C-A.
Other names: c.1108G>T, p.Gly370Trp (NM_001322003.2, NM_001322004.2, NM_001322005.2 and 1 more transcripts); c.1357G>T, p.Gly453Trp (NM_001322006.2); c.1195G>T, p.Gly399Trp (NM_001322007.2, NM_001322008.2); c.952G>T, p.Gly318Trp (NM_001322010.2); c.580G>T, p.Gly194Trp (NM_001322011.2, NM_001322012.2); c.940G>T, p.Gly314Trp (NM_001322013.2); c.1513G>T, p.Gly505Trp (NM_001322014.2); c.1204G>T, p.Gly402Trp (NM_001322015.2); short protein forms G505W, G399W, G402W, G453W, G194W, G318W, G370W, G314W.
Identifiers: ClinVar variation 484300 (VCV000484300.18), dbSNP rs1554297662, ClinGen allele CA366741718.